The following is an entry in ClinVar:

ClinVar aggregate classification (germline): Likely benign. Review status: criteria provided, single submitter (1 of 4 stars). 2 submissions from 2 submitters: Likely benign (1). 1 of the submissions does not count toward it. Last evaluated 2016-07-05.

Conditions:
CUL4B-related disorder. Also called: CUL4B-related condition.

Allele frequency attached by ClinVar (database versions not stated): gnomAD exomes below 0.00001 and 0.00002; gnomAD 0.00002 and 0.00003; TOPMed 0.00002; ExAC 0.00003; ESP Exome Variant Server 0.00009; 1000 Genomes Project 0.00026; 1000 Genomes Project 30x 0.00042.
gnomAD v4.1: 6 of 1,113,138 alleles (0.00054%); highest among the groups gnomAD compares: African/African-American, 0.009%; no homozygotes.

Submissions (2):

GeneDx
Classification: Likely benign. Last evaluated: 2016-07-05. Review status: criteria provided, single submitter. Criteria: GeneDx Variant Classification (06012015). Collection method: clinical testing. Allele origin: germline. Affected: yes.
Comment: This variant is considered likely benign or benign based on one or more of the following criteria: it is a conservative change, it occurs at a poorly conserved position in the protein, it is predicted to be benign by multiple in silico algorithms, and/or has population frequency not consistent with disease.

PreventionGenetics, part of Exact Sciences
Classification: Likely benign for CUL4B-related condition. Last evaluated: 2023-03-01. Review status: no assertion criteria provided. Collection method: clinical testing. Allele origin: germline. Not counted in ClinVar's aggregate classification.
Comment: This variant is classified as likely benign based on ACMG/AMP sequence variant interpretation guidelines (Richards et al. 2015 PMID: 25741868, with internal and published modifications).

NM_001079872.2(CUL4B):c.672+3A>G

Gene: CUL4B (cullin 4B; minus strand). Cytogenetic location: Xq24.
Variant type: single nucleotide variant.
Coding change: c.672+3A>G on transcript NM_001079872.2 (MANE Select); 3 bases into the intron after coding-DNA position 672, A replaced by G.
Molecular consequence: intron variant.
Genome position (GRCh38, 1-based): chrX:120,557,921, T>C on the plus strand (A>G on the coding strand, the complement: CUL4B is on the minus strand). VCF-style: chrX-120557921-T-C. GRCh37 (hg19) VCF-style: chrX-119691776-T-C.
Other names: c.726+3A>G (NM_003588.4); c.687+3A>G (NM_001330624.2); c.138+3A>G (NM_001369145.1).
Identifiers: ClinVar variation 387085 (VCV000387085.2), dbSNP rs375713516, ClinGen allele CA10505665.